The following is an entry in ClinVar:

ClinVar aggregate classification (germline): Pathogenic/Likely pathogenic. Review status: criteria provided, multiple submitters, no conflicts (2 of 4 stars). 3 submissions from 3 submitters: Pathogenic (1); Likely pathogenic (1). 1 of the submissions does not count toward it. Last evaluated 2024-02-05.

Conditions:
Cornelia de Lange syndrome 1 (CDLS1). Also called: Brachmann de Lange syndrome; TYPUS DEGENERATIVUS AMSTELODAMENSIS; NIPBL-Related Cornelia de Lange Syndrome. Identifiers: Orphanet 199, MedGen C4551851, MONDO:0007387, OMIM 122470.

Submissions (3):

GeneDx
Classification: Pathogenic. Last evaluated: 2024-02-05. Review status: criteria provided, single submitter. Criteria: GeneDx Variant Classification Process June 2021. Collection method: clinical testing. Allele origin: germline. Affected: yes.
Comment: Initiation codon variant in a gene for which loss of function is a known mechanism of disease; Not observed at significant frequency in large population cohorts (gnomAD); This variant is associated with the following publications: (PMID: 26147798, 22581668, 24038889, 15146186)

3billion
Classification: Likely pathogenic for Cornelia de Lange syndrome 1. Last evaluated: 2022-09-01. Review status: criteria provided, single submitter. Criteria: ACMG Guidelines, 2015. Collection method: clinical testing. Allele origin: germline. Affected: yes. Observed: 1 heterozygote.
Comment: The variant is not observed in the gnomAD v2.1.1 dataset. Start lost variant. The variant has been reported to be associated with NIPBL -related disorder (ClinVar ID: VCV000002139 / PMID: 15146186). However, the evidence of pathogenicity is insufficient at this time. Therefore, this variant is classified as Likely pathogenic according to the recommendation of ACMG/AMP guideline.

OMIM
Classification: Pathogenic for CORNELIA DE LANGE SYNDROME 1. Last evaluated: 2004-06-01. Review status: no assertion criteria provided. Collection method: literature only. Allele origin: germline. Not counted in ClinVar's aggregate classification.

Literature cited by the submitters: PubMed 15146186 (cited by 3billion and OMIM).

NM_133433.4(NIPBL):c.2T>A (p.Met1Lys)

Gene: NIPBL (NIPBL cohesin loading factor; plus strand). Cytogenetic location: 5p13.2.
Variant type: single nucleotide variant.
Coding change: c.2T>A on transcript NM_133433.4 (MANE Select); coding-DNA position 2, T replaced by A.
Protein change: p.Met1Lys; changes the start codon (methionine 1).
Molecular consequence: missense variant, initiator codon variant.
Genome position (GRCh38, 1-based): chr5:36,953,698, T>A. VCF-style: chr5-36953698-T-A. GRCh37 (hg19) VCF-style: chr5-36953800-T-A.
Other names: c.2T>A, p.Met1Lys (NM_015384.5); c.2T>A (NM_133433.3); short protein forms M1K.
Identifiers: ClinVar variation 2139 (VCV000002139.7), dbSNP rs121918264, ClinGen allele CA252112.